The following is an entry in ClinVar:

ClinVar aggregate classification (germline): Conflicting classifications of pathogenicity. Review status: criteria provided, conflicting classifications (1 of 4 stars). 3 submissions from 3 submitters: Likely pathogenic (1); Uncertain significance (1). 1 of the submissions does not count toward it. Last evaluated 2025-05-23.

Conditions:
Developmental and epileptic encephalopathy, 17 (DEE17). Also called: Early infantile epileptic encephalopathy 17. Identifiers: Orphanet 1934, MedGen C3809606, MONDO:0014199, OMIM 615473.
Neurodevelopmental disorder with involuntary movements (NEDIM). Identifiers: Orphanet 592564, MedGen C4479569, MONDO:0060491, OMIM 617493.

Submissions (3):

Dasa
Classification: Likely pathogenic. Last evaluated: 2025-05-23. Review status: criteria provided, single submitter. Criteria: DASA Assertion Criteria. Collection method: clinical testing. Allele origin: germline.
Comment: NM_020988.3(GNAO1):c.973T>G (p.Cys325Gly) is a missense variant that results in the substitution of cysteine with glycine. This variant is absent from population databases. Computational evidence supports a deleterious effect. Based on the currently available evidence, this variant is classified as likely pathogenic.

HudsonAlpha Institute for Biotechnology
Classification: Uncertain significance for Developmental and epileptic encephalopathy, 17; Neurodevelopmental disorder with involuntary movements. Last evaluated: 2024-01-05. Review status: criteria provided, single submitter. Criteria: ACMG Guidelines, 2015. Collection method: research. Allele origin: unknown. Affected: yes. Observed: 1 variant allele. Study: CSER-HudsonAlpha.

Centre de Biologie Pathologie Génétique, Centre Hospitalier Universitaire de Lille
Classification: Likely pathogenic for Early infantile epileptic encephalopathy 17. Last evaluated: 2019-01-01. Review status: no assertion criteria provided. Collection method: clinical testing. Allele origin: unknown. Affected: yes. Not counted in ClinVar's aggregate classification.

NM_020988.3(GNAO1):c.973T>G (p.Cys325Gly)

Gene: GNAO1 (G protein subunit alpha o1; plus strand). Cytogenetic location: 16q13.
Variant type: single nucleotide variant.
Coding change: c.973T>G on transcript NM_020988.3 (MANE Select); coding-DNA position 973, T replaced by G.
Protein change: p.Cys325Gly; replaces cysteine 325 with glycine.
Molecular consequence: missense variant.
Genome position (GRCh38, 1-based): chr16:56,354,961, T>G. VCF-style: chr16-56354961-T-G. GRCh37 (hg19) VCF-style: chr16-56388873-T-G.
Other names: short protein forms C325G.
Identifiers: ClinVar variation 975404 (VCV000975404.4), dbSNP rs2037954227, ClinGen allele CA395955178.